The following is an entry in ClinVar:

NM_025000.4(DCAF17):c.1038T>G (p.Tyr346Ter)

Gene: DCAF17 (DDB1 and CUL4 associated factor 17; plus strand). Cytogenetic location: 2q31.1.
Variant type: single nucleotide variant.
Coding change: c.1038T>G on transcript NM_025000.4 (MANE Select); coding-DNA position 1038, T replaced by G.
Protein change: p.Tyr346Ter; replaces tyrosine 346 with a stop codon.
Molecular consequence: nonsense. On other transcripts: non-coding transcript variant (1), intron variant (1).
Genome position (GRCh38, 1-based): chr2:171,473,922, T>G. VCF-style: chr2-171473922-T-G. GRCh37 (hg19) VCF-style: chr2-172330432-T-G.
Other names: c.982-4065T>G (NM_001164821.2); short protein forms Y346*.
Identifiers: ClinVar variation 2694507 (VCV002694507.3), dbSNP rs2529781949, ClinGen allele CA349278829.

ClinVar aggregate classification (germline): Pathogenic (1 of 4 stars; one submission).

Conditions:
Woodhouse-Sakati syndrome. Also called: EXTRAPYRAMIDAL DISORDER, PROGRESSIVE, WITH PRIMARY HYPOGONADISM, MENTAL RETARDATION, AND ALOPECIA; Hypogonadism, Alopecia, Diabetes Mellitus, Mental Retardation, and Extrapyramidal Syndrome; Hypogonadism, diabetes mellitus, alopecia, mental retardation and electrocardiographic abnormalities. Identifiers: Orphanet 3464, MedGen C0342286, MONDO:0009419, OMIM 241080.

Submission:

Labcorp Genetics (formerly Invitae), Labcorp
Classification: Pathogenic for Woodhouse-Sakati syndrome. Last evaluated: 2023-11-09. Review status: criteria provided, single submitter. Criteria: Invitae Variant Classification Sherloc (09022015). Collection method: clinical testing. Allele origin: germline.
Comment: This sequence change creates a premature translational stop signal (p.Tyr346*) in the DCAF17 gene. It is expected to result in an absent or disrupted protein product. Loss-of-function variants in DCAF17 are known to be pathogenic (PMID: 19026396, 20507343). This variant is not present in population databases (gnomAD no frequency). This variant has not been reported in the literature in individuals affected with DCAF17-related conditions. For these reasons, this variant has been classified as Pathogenic.

Literature cited by the submitters: PubMed 19026396; PubMed 20507343.